The following is an entry in ClinVar:

ClinVar aggregate classification (germline): Benign/Likely benign. Review status: criteria provided, multiple submitters, no conflicts (2 of 4 stars). 2 submissions from 2 submitters: Benign (1); Likely benign (1). Last evaluated 2025-12-08.

Conditions:
Rubinstein-Taybi syndrome (RSTS). Identifiers: Orphanet 783, MedGen C0035934, MONDO:0019188.
CREBBP-related disorder. Also called: CREBBP-related disorders; CREBBP-related condition.

Allele frequency attached by ClinVar (database versions not stated): ExAC 0.00001; gnomAD exomes 0.00001; TOPMed 0.00002; gnomAD 0.00003.
gnomAD v4.1: 15 of 1,613,414 alleles (0.00093%); highest among the groups gnomAD compares: African/African-American, 0.0053%; no homozygotes.

Submissions (2):

Labcorp Genetics (formerly Invitae), Labcorp
Classification: Benign for Rubinstein-Taybi syndrome. Last evaluated: 2025-12-08. Review status: criteria provided, single submitter. Criteria: Invitae Variant Classification Sherloc (09022015). Collection method: clinical testing. Allele origin: germline.

PreventionGenetics, part of Exact Sciences
Classification: Likely benign for CREBBP-related condition. Last evaluated: 2024-12-16. Review status: criteria provided, single submitter. Criteria: ACMG Guidelines, 2015. Collection method: clinical testing. Allele origin: germline.
Comment: This variant is classified as likely benign based on ACMG/AMP sequence variant interpretation guidelines (Richards et al. 2015 PMID: 25741868, with internal and published modifications).

NM_004380.3(CREBBP):c.5628C>T (p.Asn1876=)

Gene: CREBBP (CREB binding lysine acetyltransferase; minus strand). Cytogenetic location: 16p13.3.
Variant type: single nucleotide variant.
Coding change: c.5628C>T on transcript NM_004380.3 (MANE Select); coding-DNA position 5628, C replaced by T.
Protein change: p.Asn1876=; no amino-acid change (asparagine 1876 retained).
Molecular consequence: synonymous variant.
Genome position (GRCh38, 1-based): chr16:3,729,419, G>A on the plus strand (C>T on the coding strand, the complement: CREBBP is on the minus strand). VCF-style: chr16-3729419-G-A. GRCh37 (hg19) VCF-style: chr16-3779420-G-A.
Other names: c.5628C>T (NM_004380.2); c.5514C>T, p.Asn1838= (NM_001079846.1).
Identifiers: ClinVar variation 1983659 (VCV001983659.5), dbSNP rs747210551, ClinGen allele CA7869266.